The following is an entry in ClinVar:

NM_177438.3(DICER1):c.4654C>T (p.Gln1552Ter)

Gene: DICER1 (dicer 1, ribonuclease III; minus strand). Cytogenetic location: 14q32.13.
Variant type: single nucleotide variant.
Coding change: c.4654C>T on transcript NM_177438.3 (MANE Select); coding-DNA position 4654, C replaced by T.
Protein change: p.Gln1552Ter; replaces glutamine 1552 with a stop codon.
Molecular consequence: nonsense.
Genome position (GRCh38, 1-based): chr14:95,096,266, G>A on the plus strand (C>T on the coding strand, the complement: DICER1 is on the minus strand). VCF-style: chr14-95096266-G-A. GRCh37 (hg19) VCF-style: chr14-95562603-G-A.
Other names: c.4654C>T, p.Gln1552Ter (NM_001195573.1, NM_001271282.3, NM_001291628.2 and 1 more transcripts); short protein forms Q1552*.
Identifiers: ClinVar variation 429137 (VCV000429137.8), dbSNP rs1131691208, ClinGen allele CA390867598.

ClinVar aggregate classification (germline): Pathogenic/Likely pathogenic. Review status: criteria provided, multiple submitters, no conflicts (2 of 4 stars). 2 submissions from 2 submitters: Pathogenic (1); Likely pathogenic (1). Last evaluated 2026-05-21.

Conditions:
Hereditary cancer-predisposing syndrome. Also called: Hereditary Cancer Syndrome; Tumor predisposition; Hereditary neoplastic syndrome; Neoplastic Syndromes, Hereditary. Identifiers: Orphanet 140162, MedGen C0027672, MeSH D009386, MONDO:0015356.

Submissions (2):

Ambry Genetics
Classification: Pathogenic for Hereditary cancer-predisposing syndrome. Last evaluated: 2026-05-21. Review status: criteria provided, single submitter. Criteria: Ambry Variant Classification Scheme 2023. Collection method: clinical testing. Allele origin: germline.
Comment: The p.Q1552* pathogenic mutation (also known as c.4654C>T), located in coding exon 22 of the DICER1 gene, results from a C to T substitution at nucleotide position 4654. This changes the amino acid from a glutamine to a stop codon within coding exon 22. This variant is considered to be rare based on population cohorts in the Genome Aggregation Database (gnomAD).This alteration is expected to result in loss of function by premature protein truncation or nonsense-mediated mRNA decay. As such, this alteration is interpreted as a disease-causing mutation.

PreventionGenetics, part of Exact Sciences
Classification: Likely pathogenic. Last evaluated: 2016-07-11. Review status: criteria provided, single submitter. Criteria: ACMG Guidelines, 2015. Collection method: clinical testing. Allele origin: germline.